The following is an entry in ClinVar:

ClinVar aggregate classification (germline): Likely pathogenic (1 of 4 stars; one submission).

Conditions:
Immunodeficiency 35 (IMD35). Also called: HIES WITH ATYPICAL MYCOBACTERIOSIS, AUTOSOMAL RECESSIVE; HYPER-IgE SYNDROME WITH ATYPICAL MYCOBACTERIOSIS, AUTOSOMAL RECESSIVE; Susceptibility to infection due to TYK2 deficiency; TYK2 DEFICIENCY. Identifiers: Orphanet 331226, MedGen C1969086, MONDO:0012682, OMIM 611521.

Submission:

Labcorp Genetics (formerly Invitae), Labcorp
Classification: Likely pathogenic for Immunodeficiency 35. Last evaluated: 2025-07-14. Review status: criteria provided, single submitter. Criteria: Invitae Variant Classification Sherloc (09022015). Collection method: clinical testing. Allele origin: germline.
Comment: This variant results in the deletion of part of exon 16 (c.2176-32_2205del) of the TYK2 gene. It is expected to disrupt RNA splicing. Variants that disrupt the donor or acceptor splice site typically lead to a loss of protein function (PMID: 16199547), and loss-of-function variants in TYK2 are known to be pathogenic (PMID: 22402565, 26304966). This variant is present in population databases (no rsID available, gnomAD 0.003%). This variant has not been reported in the literature in individuals affected with TYK2-related conditions. In summary, the currently available evidence indicates that the variant is pathogenic, but additional data are needed to prove that conclusively. Therefore, this variant has been classified as Likely Pathogenic.

Literature cited by the submitters: PubMed 16199547; PubMed 22402565; PubMed 26304966.

NM_003331.5(TYK2):c.2176-32_2205del

Gene: TYK2 (tyrosine kinase 2; minus strand). Cytogenetic location: 19p13.2.
Variant type: Deletion.
Coding change: c.2176-32_2205del on transcript NM_003331.5 (MANE Select); 32 bases into the intron before coding-DNA position 2176 through coding-DNA position 2205, 62 bases deleted.
Molecular consequence: splice acceptor variant.
Genome position (GRCh38, 1-based): chr19:10,358,109-10,358,170, 62 bases deleted. GRCh37 (hg19): chr19:10,468,787-10,468,848.
Other names: c.1990-32_2019del (NM_001385199.1); c.2176-32_2205del (NM_001406461.1, NM_001385200.1, NM_001385198.1 and 3 more transcripts); c.2086-32_2115del (NM_001385205.1); c.1978-32_2007del (NM_001385201.1); c.2050-32_2079del (NM_001385206.1); c.2158-32_2187del (NM_001385207.1); c.2092-32_2121del (NM_001385202.1).
Identifiers: ClinVar variation 4722974 (VCV004722974.1).